The following is an entry in ClinVar:

ClinVar aggregate classification (germline): Benign (0 of 4 stars; one submission).

Conditions:
FEZF2-related disorder. Also called: FEZF2-related condition.

Submission:

PreventionGenetics, part of Exact Sciences
Classification: Benign for FEZF2-related condition. Last evaluated: 2020-01-03. Review status: no assertion criteria provided. Collection method: clinical testing. Allele origin: germline.
Comment: This variant is classified as benign based on ACMG/AMP sequence variant interpretation guidelines (Richards et al. 2015 PMID: 25741868, with internal and published modifications).

NM_018008.4(FEZF2):c.330_344del (p.Gly113_Gly117del)

Gene: FEZF2 (FEZ family zinc finger 2; minus strand). Cytogenetic location: 3p14.2.
Variant type: Deletion.
Coding change: c.330_344del on transcript NM_018008.4 (MANE Select); coding-DNA positions 330 to 344, 15 bases deleted (TGGCGGCGGCGGCGG).
Protein change: p.Gly113_Gly117del.
Genome position (GRCh38, 1-based): chr3:62,372,525-62,372,539, CCGCCGCCGCCGCCA deleted on the plus strand (TGGCGGCGGCGGCGG on the coding strand, the reverse complement: FEZF2 is on the minus strand); deleting any 15 consecutive bases within chr3:62,372,525-62,372,553 gives the same sequence; the c. name uses the placement nearest the transcript's 3' end. VCF-style (leftmost placement, unchanged base first): chr3-62372524-GCCGCCGCCGCCGCCA-G. GRCh37 (hg19) VCF-style: chr3-62358199-GCCGCCGCCGCCGCCA-G.
Identifiers: ClinVar variation 3045162 (VCV003045162.2), dbSNP rs752755859, ClinGen allele CA2476017.